The following is an entry in ClinVar:

ClinVar aggregate classification (germline): Uncertain significance. Review status: criteria provided, multiple submitters, no conflicts (2 of 4 stars). 3 submissions from 3 submitters: Uncertain significance (2). 1 of the submissions does not count toward it. Last evaluated 2025-08-18.

Conditions:
Inborn genetic diseases. Identifiers: MedGen C0950123, MeSH D030342.
NTRK2-related disorder. Also called: NTRK2-related condition.

Allele frequency attached by ClinVar (database versions not stated): gnomAD exomes below 0.00001; gnomAD 0.00001; TOPMed 0.00002.
gnomAD v4.1: 4 of 1,614,022 alleles (0.00025%); highest among the groups gnomAD compares: African/African-American, 0.0053%; no homozygotes.

Submissions (3):

Labcorp Genetics (formerly Invitae), Labcorp
Classification: Uncertain significance. Last evaluated: 2025-08-18. Review status: criteria provided, single submitter. Criteria: Invitae Variant Classification Sherloc (09022015). Collection method: clinical testing. Allele origin: germline.
Comment: This sequence change replaces valine, which is neutral and non-polar, with alanine, which is neutral and non-polar, at codon 146 of the NTRK2 protein (p.Val146Ala). This variant is present in population databases (no rsID available, gnomAD 0.02%). This variant has not been reported in the literature in individuals affected with NTRK2-related conditions. ClinVar contains an entry for this variant (Variation ID: 1903084). Invitae Evidence Modeling of protein sequence and biophysical properties (such as structural, functional, and spatial information, amino acid conservation, physicochemical variation, residue mobility, and thermodynamic stability) indicates that this missense variant is not expected to disrupt NTRK2 protein function with a negative predictive value of 80%. In summary, the available evidence is currently insufficient to determine the role of this variant in disease. Therefore, it has been classified as a Variant of Uncertain Significance.

Ambry Genetics
Classification: Uncertain significance for Inborn genetic diseases. Last evaluated: 2024-05-24. Review status: criteria provided, single submitter. Criteria: Ambry Variant Classification Scheme 2023. Collection method: clinical testing. Allele origin: germline.

PreventionGenetics, part of Exact Sciences
Classification: Uncertain significance for NTRK2-related condition. Last evaluated: 2024-04-18. Review status: no assertion criteria provided. Collection method: clinical testing. Allele origin: germline. Not counted in ClinVar's aggregate classification.
Comment: The NTRK2 c.437T>C variant is predicted to result in the amino acid substitution p.Val146Ala. To our knowledge, this variant has not been reported in the literature. This variant is reported in 0.023% of alleles in individuals of African descent in gnomAD. At this time, the clinical significance of this variant is uncertain due to the absence of conclusive functional and genetic evidence.

NM_006180.6(NTRK2):c.437T>C (p.Val146Ala)

Gene: NTRK2 (neurotrophic receptor tyrosine kinase 2; plus strand). Cytogenetic location: 9q21.33.
Variant type: single nucleotide variant.
Coding change: c.437T>C on transcript NM_006180.6 (MANE Select); coding-DNA position 437, T replaced by C.
Protein change: p.Val146Ala; replaces valine 146 with alanine.
Molecular consequence: missense variant. On other transcripts: 5 prime UTR variant (5).
Genome position (GRCh38, 1-based): chr9:84,710,645, T>C. VCF-style: chr9-84710645-T-C. GRCh37 (hg19) VCF-style: chr9-87325560-T-C.
Other names: c.437T>C, p.Val146Ala (NM_001007097.3, NM_001018064.3, NM_001018065.2 and 19 more transcripts); c.-32T>C (NM_001369535.1, NM_001369536.1, NM_001369550.1 and 2 more transcripts); c.437T>C (NM_006180.3, NM_006180.4); short protein forms V146A.
Identifiers: ClinVar variation 1903084 (VCV001903084.7), dbSNP rs1203098513, ClinGen allele CA374005637.
Genomic context (GRCh38, chr9:84,710,645, plus strand): 5'-TAGCTAAAATGGAAAAAGGAACTTGATCTGTTGTCATTTTTGTTCCCTGTAGGATCCTGG[T>C]GGGCAATCCATTTACATGCTCCTGTGACATTATGTGGATCAAGACTCTCCAAGAGGCTAA-3'
Protein context (NP_006171.2, residues 136-156): RHLDLSELIL[Val146Ala]GNPFTCSCDI